The following is an entry in ClinVar:

NM_002547.3(OPHN1):c.230C>G (p.Thr77Ser)

Gene: OPHN1 (oligophrenin 1; minus strand). Cytogenetic location: Xq12.
Variant type: single nucleotide variant.
Coding change: c.230C>G on transcript NM_002547.3 (MANE Select); coding-DNA position 230, C replaced by G.
Protein change: p.Thr77Ser; replaces threonine 77 with serine.
Molecular consequence: missense variant.
Genome position (GRCh38, 1-based): chrX:68,299,021, G>C on the plus strand (C>G on the coding strand, the complement: OPHN1 is on the minus strand). VCF-style: chrX-68299021-G-C. GRCh37 (hg19) VCF-style: chrX-67518863-G-C.
Other names: short protein forms T77S.
Identifiers: ClinVar variation 2913321 (VCV002913321.3), dbSNP rs2519930343, ClinGen allele CA413432456.
Genomic context (GRCh38, chrX:68,299,021, plus strand): 5'-GCCTCAACAGGTATATGACCACATGTAGCTGAAGACTTACCGATGTTAATTTCATCATCA[G>C]TCAGAGTGTCTCCAATGAAATCAAACTGAAATGACTGCAGCGTCTGGGAAAATTTCTGAA-3'
Protein context (NP_002538.1, residues 67-87): FQFDFIGDTL[Thr77Ser]DDEINIAESF

ClinVar aggregate classification (germline): Uncertain significance (1 of 4 stars; one submission).

Submission:

Labcorp Genetics (formerly Invitae), Labcorp
Classification: Uncertain significance. Last evaluated: 2023-10-14. Review status: criteria provided, single submitter. Criteria: Invitae Variant Classification Sherloc (09022015). Collection method: clinical testing. Allele origin: germline.
Comment: This sequence change replaces threonine, which is neutral and polar, with serine, which is neutral and polar, at codon 77 of the OPHN1 protein (p.Thr77Ser). This variant is not present in population databases (gnomAD no frequency). This variant has not been reported in the literature in individuals affected with OPHN1-related conditions. An algorithm developed to predict the effect of missense changes on protein structure and function (PolyPhen-2) suggests that this variant is likely to be disruptive. In summary, the available evidence is currently insufficient to determine the role of this variant in disease. Therefore, it has been classified as a Variant of Uncertain Significance.